The following is an entry in ClinVar:

ClinVar aggregate classification (germline): Uncertain significance (1 of 4 stars; one submission).

Allele frequency attached by ClinVar (database versions not stated): gnomAD exomes below 0.00001; TOPMed 0.00001.
gnomAD v4.1: 2 of 1,613,880 alleles (0.00012%); highest among the groups gnomAD compares: Non-Finnish European, 0.000085%; no homozygotes.

Submission:

Labcorp Genetics (formerly Invitae), Labcorp
Classification: Uncertain significance. Last evaluated: 2023-04-22. Review status: criteria provided, single submitter. Criteria: Invitae Variant Classification Sherloc (09022015). Collection method: clinical testing. Allele origin: germline.
Comment: In summary, the available evidence is currently insufficient to determine the role of this variant in disease. Therefore, it has been classified as a Variant of Uncertain Significance. An algorithm developed to predict the effect of missense changes on protein structure and function (PolyPhen-2) suggests that this variant is likely to be tolerated. This variant has not been reported in the literature in individuals affected with SPP2-related conditions. This variant is not present in population databases (gnomAD no frequency). This sequence change replaces valine, which is neutral and non-polar, with leucine, which is neutral and non-polar, at codon 115 of the SPP2 protein (p.Val115Leu).

NM_006944.3(SPP2):c.343G>C (p.Val115Leu)

Gene: SPP2 (secreted phosphoprotein 2; plus strand). Cytogenetic location: 2q37.1.
Variant type: single nucleotide variant.
Coding change: c.343G>C on transcript NM_006944.3 (MANE Select); coding-DNA position 343, G replaced by C.
Protein change: p.Val115Leu; replaces valine 115 with leucine.
Molecular consequence: missense variant.
Genome position (GRCh38, 1-based): chr2:234,060,378, G>C. VCF-style: chr2-234060378-G-C. GRCh37 (hg19) VCF-style: chr2-234969022-G-C.
Other names: short protein forms V115L.
Identifiers: ClinVar variation 2868412 (VCV002868412.3), dbSNP rs1213169901, ClinGen allele CA351103039.
Genomic context (GRCh38, chr2:234,060,378, plus strand): 5'-TCCCTTTCCACAAACAGCTGAAGAGAGAACTCACCCCTTTGTCTTTTCCAGTCCACAGCT[G>C]TTTGCAGAAGCACCGTGAAGGTATCTGCCCAGCAGGTGCAGGGCGTGCATGCTCGCTGCA-3'
Protein context (NP_008875.1, residues 105-125): FQRDYYVSTA[Val115Leu]CRSTVKVSAQ